The following is an entry in ClinVar:

ClinVar aggregate classification (germline): Likely benign (1 of 4 stars; one submission).

Submission:

CeGaT Center for Human Genetics Tuebingen
Classification: Likely benign. Last evaluated: 2022-11-01. Review status: criteria provided, single submitter. Criteria: CeGaT Center For Human Genetics Tuebingen Variant Classification Criteria Version 2. Collection method: clinical testing. Allele origin: germline. Affected: yes. Observed: 2 variant alleles.
Comment: CLTC: BS1

NM_004859.4(CLTC):c.4827+1241del

Gene: CLTC (clathrin heavy chain; plus strand). Cytogenetic location: 17q23.1.
Variant type: Deletion.
Coding change: c.4827+1241del on transcript NM_004859.4 (MANE Select); 1241 bases into the intron after coding-DNA position 4827, one base deleted (A; older notation c.4827+1241delA).
Molecular consequence: intron variant.
Genome position (GRCh38, 1-based): chr17:59,687,049, A deleted; the last of 2 consecutive A bases (chr17:59,687,048-59,687,049); deleting either gives the same sequence. VCF-style (leftmost placement, unchanged base first): chr17-59687047-TA-T. GRCh37 (hg19) VCF-style: chr17-57764408-TA-T.
Other names: c.4839+1241del (NM_001288653.2).
Identifiers: ClinVar variation 2647989 (VCV002647989.24), dbSNP rs555658770, ClinGen allele CA292119800.
Genomic context (GRCh38, chr17:59,687,047, plus strand): 5'-GAATTCCTTTGCAGGTTGATGCAATAAAGGAAAAGGTGAAAGTTGATTCTTTAACATCTT[TA>T]AGTCTGGAGGACTAAGTCTAAGGAATTTGCATGATGTTTTTCCTTCCTCTTCTACACTGC-3'